The following is an entry in ClinVar:

NM_024675.4(PALB2):c.838_839del (p.Asn280fs)

Gene: PALB2 (partner and localizer of BRCA2; minus strand). Cytogenetic location: 16p12.2.
Variant type: Deletion.
Coding change: c.838_839del on transcript NM_024675.4 (MANE Select); coding-DNA positions 838 to 839, 2 bases deleted (AA; older notation c.838_839delAA).
Protein change: p.Asn280fs; shifts the reading frame from asparagine 280.
Molecular consequence: frameshift variant. On other transcripts: 5 prime UTR variant (8), intron variant (3).
Genome position (GRCh38, 1-based): chr16:23,635,707-23,635,708, TT deleted on the plus strand (AA on the coding strand, the reverse complement: PALB2 is on the minus strand); deleting any 2 consecutive bases within chr16:23,635,707-23,635,712 gives the same sequence; the c. name uses the placement nearest the transcript's 3' end. VCF-style (leftmost placement, unchanged base first): chr16-23635706-GTT-G. GRCh37 (hg19) VCF-style: chr16-23647027-GTT-G.
Other names: c.778_779del, p.Asn260fs (NM_001407296.1); c.838_839del, p.Asn280fs (NM_001407297.1, NM_001407298.1, NM_001407299.1 and 3 more transcripts); c.-48_-47del (NM_001407304.1, NM_001407305.1, NM_001407306.1 and 5 more transcripts); c.48+5402_48+5403del (NM_001407314.1); c.-104-5239_-104-5238del (NM_001407313.1, NM_001407312.1); short protein forms N260fs, N280fs.
Identifiers: ClinVar variation 2674145 (VCV002674145.1), dbSNP rs1555461597, ClinGen allele CA2695197534.

ClinVar aggregate classification (germline): Pathogenic (1 of 4 stars; one submission).

Conditions:
Familial cancer of breast. Also called: Hereditary breast cancer; BREAST CANCER, FAMILIAL; hereditary breast carcinoma. Identifiers: Orphanet 227535, MedGen C0346153, MONDO:0016419, OMIM 114480. Disease mechanism: loss of function.

Submission:

Myriad Genetics, Inc.
Classification: Pathogenic for Familial cancer of breast. Last evaluated: 2023-09-07. Review status: criteria provided, single submitter. Criteria: Myriad Autosomal Dominant, Autosomal Recessive and X-Linked Classification Criteria (2023). Collection method: clinical testing. Allele origin: unknown.
Comment: This variant is considered pathogenic. This variant creates a frameshift predicted to result in premature protein truncation.